The following is an entry in ClinVar:

NM_000489.6(ATRX):c.3555G>C (p.Lys1185Asn)

Gene: ATRX (ATRX chromatin remodeler; minus strand). Cytogenetic location: Xq21.1.
Variant type: single nucleotide variant.
Coding change: c.3555G>C on transcript NM_000489.6 (MANE Select); coding-DNA position 3555, G replaced by C.
Protein change: p.Lys1185Asn; replaces lysine 1185 with asparagine.
Molecular consequence: missense variant.
Genome position (GRCh38, 1-based): chrX:77,681,701, C>G on the plus strand (G>C on the coding strand, the complement: ATRX is on the minus strand). VCF-style: chrX-77681701-C-G. GRCh37 (hg19) VCF-style: chrX-76937193-C-G.
Other names: c.3441G>C, p.Lys1147Asn (NM_138270.5); short protein forms K1185N, K1147N.
Identifiers: ClinVar variation 281530 (VCV000281530.19), dbSNP rs782696086, ClinGen allele CA10457937.
Genomic context (GRCh38, chrX:77,681,701, plus strand): 5'-AGAAGATGAGGATGTAATGTCAGCTTGCTTCCTTTTAGTGCTTGTTCTTAGGGAGTTTCT[C>G]TTTTTCTCCTTGACAATGACTGCCTTCTTTTTAGATGAAGTTCTTTGCTTCTTCTTTTTA-3'
Protein context (NP_000480.3, residues 1175-1195): KKKAVIVKEK[Lys1185Asn]RNSLRTSTKR

ClinVar aggregate classification (germline): Conflicting classifications of pathogenicity. Review status: criteria provided, conflicting classifications (1 of 4 stars). 4 submissions from 4 submitters: Uncertain significance (2); Likely benign (1). 1 of the submissions does not count toward it. Last evaluated 2024-05-09.

Conditions:
Inborn genetic diseases. Identifiers: MedGen C0950123, MeSH D030342.
Alpha thalassemia-X-linked intellectual disability syndrome (ATRX). Also called: ALPHA-THALASSEMIA/IMPAIRED INTELLECTUAL DEVELOPMENT SYNDROME, X-LINKED; ATR, NONDELETION TYPE; ALPHA-THALASSEMIA/MENTAL RETARDATION SYNDROME, X-LINKED; ATR-X syndrome; Alpha thalassemia mental retardation syndrome, nondeletion type, X-linked; XLMR hypotonic face syndrome. Identifiers: Orphanet 847, MedGen C1845055, MONDO:0010519, OMIM 301040.

Allele frequency attached by ClinVar (database versions not stated): TOPMed 0.00001; ExAC 0.00002; gnomAD exomes 0.00001 and 0.00004.
gnomAD v4.1: 49 of 1,208,386 alleles (0.0041%); highest among the groups gnomAD compares: Non-Finnish European, 0.0053%; no homozygotes.

Submissions (4):

Labcorp Genetics (formerly Invitae), Labcorp
Classification: Likely benign for Alpha thalassemia-X-linked intellectual disability syndrome. Last evaluated: 2024-05-09. Review status: criteria provided, single submitter. Criteria: Invitae Variant Classification Sherloc (09022015). Collection method: clinical testing. Allele origin: germline.

Ambry Genetics
Classification: Uncertain significance for Inborn genetic diseases. Last evaluated: 2016-04-07. Review status: criteria provided, single submitter. Criteria: Ambry Variant Classification Scheme 2023. Collection method: clinical testing. Allele origin: germline.
Comment: The p.K1185N variant (also known as c.3555G>C), located in coding exon 9 of the ATRX gene, results from a G to C substitution at nucleotide position 3555. The lysine at codon 1185 is replaced by asparagine, an amino acid with similar properties. This variant was not reported in population based cohorts in the following databases: Database of Single Nucleotide Polymorphisms (dbSNP), NHLBI Exome Sequencing Project (ESP), and 1000 Genomes Project. In the ESP, this variant was not observed in 6499 samples with coverage at this position. Based on data from ExAC, the C allele has an overall frequency of approximately <0.01% (1/75807), with 1 hemizygote. This amino acid position is poorly conserved in available vertebrate species. In addition, this alteration is predicted to be tolerated by in silico analysis. Since supporting evidence is limited at this time, the clinical significance of this alteration remains unclear.

Eurofins Ntd Llc (ga)
Classification: Uncertain significance. Last evaluated: 2015-06-16. Review status: criteria provided, single submitter. Criteria: EGL Classification Definitions 2015. Collection method: clinical testing. Allele origin: germline. Observed: 2 variant alleles, 2 heterozygotes.

Natera, Inc.
Classification: Uncertain significance for X-linked alpha-thalassemia-mental retardation syndrome. Last evaluated: 2020-09-16. Review status: no assertion criteria provided. Collection method: clinical testing. Allele origin: germline. Not counted in ClinVar's aggregate classification.